The following is an entry in ClinVar:

NM_152564.5(VPS13B):c.6931A>G (p.Met2311Val)

Gene: VPS13B (vacuolar protein sorting 13 homolog B; plus strand). Cytogenetic location: 8q22.2.
Variant type: single nucleotide variant.
Coding change: c.6931A>G on transcript NM_152564.5 (MANE Select); coding-DNA position 6931, A replaced by G.
Protein change: p.Met2311Val; replaces methionine 2311 with valine.
Molecular consequence: missense variant.
Genome position (GRCh38, 1-based): chr8:99,720,928, A>G. VCF-style: chr8-99720928-A-G. GRCh37 (hg19) VCF-style: chr8-100733156-A-G.
Other names: c.7006A>G, p.Met2336Val (NM_017890.5); short protein forms M2311V, M2336V.
Identifiers: ClinVar variation 212579 (VCV000212579.7), dbSNP rs797046095, ClinGen allele CA209699.
Genomic context (GRCh38, chr8:99,720,928, plus strand): 5'-TTGAAATTGCCTGGGGTCTATGAAGTCTTATTTTATAATGAAACTGAAGATTGCCCAGGG[A>G]TGATGTTATGGAGATATCCAGAACCTAGAGTACTCACCCTTGTACGAATAACTCCTGTAC-3'
Protein context (NP_689777.3, residues 2301-2321): FYNETEDCPG[Met2311Val]MLWRYPEPRV

ClinVar aggregate classification (germline): Uncertain significance. Review status: criteria provided, multiple submitters, no conflicts (2 of 4 stars). 2 submissions from 2 submitters: Uncertain significance (2). Last evaluated 2025-12-21.

Conditions:
Cohen syndrome (COH1). Also called: PEPPER SYNDROME; Cutis verticis gyrata, retinitis pigmentosa, and sensorineural deafness. Identifiers: Orphanet 193, MedGen C0265223, MONDO:0008999, OMIM 216550.

Submissions (2):

Labcorp Genetics (formerly Invitae), Labcorp
Classification: Uncertain significance for Cohen syndrome. Last evaluated: 2025-12-21. Review status: criteria provided, single submitter. Criteria: Invitae Variant Classification Sherloc (09022015). Collection method: clinical testing. Allele origin: germline.
Comment: This sequence change replaces methionine, which is neutral and non-polar, with valine, which is neutral and non-polar, at codon 2336 of the VPS13B protein (p.Met2336Val). This variant is not present in population databases (gnomAD no frequency). This variant has not been reported in the literature in individuals affected with VPS13B-related conditions. ClinVar contains an entry for this variant (Variation ID: 212579). Invitae Evidence Modeling of protein sequence and biophysical properties (such as structural, functional, and spatial information, amino acid conservation, physicochemical variation, residue mobility, and thermodynamic stability) indicates that this missense variant is not expected to disrupt VPS13B protein function with a negative predictive value of 80%. In summary, the available evidence is currently insufficient to determine the role of this variant in disease. Therefore, it has been classified as a Variant of Uncertain Significance.

Genetic Services Laboratory, University of Chicago
Classification: Uncertain significance. Last evaluated: 2015-03-02. Review status: criteria provided, single submitter. Criteria: ACMG Guidelines, 2015. Collection method: clinical testing. Allele origin: germline.